The following is an entry in ClinVar:

NM_024426.6(WT1):c.128G>T (p.Gly43Val)

Genes: WT1 (WT1 transcription factor; minus strand), LOC107982234 (WT1/WT1-AS bi-directional promoter region; plus strand). Cytogenetic location: 11p13.
Variant type: single nucleotide variant.
Coding change: c.128G>T on transcript NM_024426.6 (MANE Select); coding-DNA position 128, G replaced by T.
Protein change: p.Gly43Val; replaces glycine 43 with valine.
Molecular consequence: missense variant. On other transcripts: non-coding transcript variant (1).
Genome position (GRCh38, 1-based): chr11:32,435,233, C>A on the plus strand (G>T on the coding strand, the complement: WT1 is on the minus strand). VCF-style: chr11-32435233-C-A. GRCh37 (hg19) VCF-style: chr11-32456779-C-A.
Other names: c.128G>T, p.Gly43Val (NM_000378.6, NM_001407044.1, NM_001407045.1 and 6 more transcripts); c.113G>T, p.Gly38Val (NM_024425.2); short protein forms G38V, G43V.
Identifiers: ClinVar variation 1920843 (VCV001920843.5), dbSNP rs1426223019, ClinGen allele CA379966327.

ClinVar aggregate classification (germline): Uncertain significance (1 of 4 stars; one submission).

Conditions:
Drash syndrome (DDS). Also called: NEPHROPATHY, WILMS TUMOR, AND GENITAL ANOMALIES; WILMS TUMOR AND PSEUDO- OR TRUE HERMAPHRODITISM. Identifiers: Orphanet 220, MedGen C0950121, MONDO:0008682, OMIM 194080.
Frasier syndrome. Identifiers: Orphanet 347, MedGen C0950122, MeSH D052159, MONDO:0007635, OMIM 136680.
Wilms tumor 1 (WT1). Also called: Wilms tumor, somatic. Identifiers: Orphanet 654, MedGen CN033288, MONDO:0008679, OMIM 194070.
11p partial monosomy syndrome (WAGR). Also called: WAGR Complex; WAGR Spectrum Disorder; WAGR syndrome; CHROMOSOME 11p13 DELETION SYNDROME. Identifiers: Orphanet 893, MedGen C0206115, MONDO:0008681, OMIM 194072.

Allele frequency attached by ClinVar (database versions not stated): gnomAD exomes below 0.00001.
gnomAD v4.1: 2 of 1,535,488 alleles (0.00013%); highest among the groups gnomAD compares: Middle Eastern, 0.038%; no homozygotes.

Submission:

Labcorp Genetics (formerly Invitae), Labcorp
Classification: Uncertain significance for Wilms tumor 1; Drash syndrome; 11p partial monosomy syndrome; Frasier syndrome. Last evaluated: 2022-10-19. Review status: criteria provided, single submitter. Criteria: Invitae Variant Classification Sherloc (09022015). Collection method: clinical testing. Allele origin: germline.
Comment: This sequence change replaces glycine, which is neutral and non-polar, with valine, which is neutral and non-polar, at codon 38 of the WT1 protein (p.Gly38Val). The frequency data for this variant in the population databases is considered unreliable, as metrics indicate poor data quality at this position in the gnomAD database. This variant has not been reported in the literature in individuals affected with WT1-related conditions. Algorithms developed to predict the effect of missense changes on protein structure and function are either unavailable or do not agree on the potential impact of this missense change (SIFT: "Deleterious"; PolyPhen-2: "Benign"; Align-GVGD: "Class C0"). In summary, the available evidence is currently insufficient to determine the role of this variant in disease. Therefore, it has been classified as a Variant of Uncertain Significance.